The following is an entry in ClinVar:

NM_015346.4(ZFYVE26):c.6397del (p.Arg2133fs)

Gene: ZFYVE26 (zinc finger FYVE-type containing 26; minus strand). Cytogenetic location: 14q24.1.
Variant type: Deletion.
Coding change: c.6397del on transcript NM_015346.4 (MANE Select); coding-DNA position 6397, one base deleted (A; older notation c.6397delA).
Protein change: p.Arg2133fs; shifts the reading frame from arginine 2133.
Molecular consequence: frameshift variant.
Genome position (GRCh38, 1-based): chr14:67,761,557, T deleted on the plus strand (A on the coding strand, the reverse complement: ZFYVE26 is on the minus strand). VCF-style (leftmost placement, unchanged base first): chr14-67761556-CT-C. GRCh37 (hg19) VCF-style: chr14-68228273-CT-C.
Other names: short protein forms R2133fs.
Identifiers: ClinVar variation 5015793 (VCV005015793.1).

ClinVar aggregate classification (germline): Pathogenic (1 of 4 stars; one submission).

Conditions:
Hereditary spastic paraplegia 15 (SPG15). Also called: SPASTIC PARAPLEGIA 15, AUTOSOMAL RECESSIVE; KJELLIN SYNDROME; SPASTIC PARAPLEGIA AND RETINAL DEGENERATION. Identifiers: Orphanet 100996, MedGen C1849128, MONDO:0010044, OMIM 270700.

Submission:

Myriad Genetics, Inc.
Classification: Pathogenic for Hereditary spastic paraplegia 15. Last evaluated: 2026-04-11. Review status: criteria provided, single submitter. Criteria: Myriad Autosomal Dominant, Autosomal Recessive and X-Linked Classification Criteria (2023). Collection method: clinical testing. Allele origin: unknown.
Comment: NM_015346.3(ZFYVE26):c.6397delA(R2133Gfs*16) is expected to be pathogenic in the context of spastic paraplegia type 15. This variant is predicted to lead to an abnormal or absent protein product due to the creation of a premature termination codon in ZFYVE26, a gene where loss-of-function variants are known to be pathogenic. Please note: this variant was assessed in the context of healthy population screening.